The following is an entry in ClinVar:

ClinVar aggregate classification (germline): Pathogenic/Likely pathogenic. Review status: criteria provided, multiple submitters, no conflicts (2 of 4 stars). 2 submissions from 2 submitters: Pathogenic (1); Likely pathogenic (1). Last evaluated 2025-11-24.

Conditions:
Mitochondrial disease. Also called: Mitochondrial disorders; Mitochondrial disorder. Identifiers: Orphanet 68380, MedGen C0751651, MeSH D028361, MONDO:0044970.

Submissions (2):

Genomenon, Inc
Classification: Likely pathogenic for Mitochondrial disease. Last evaluated: 2025-11-24. Review status: criteria provided, single submitter. Criteria: Genomenon Sequence Variant Interpretation Standards - Updated. Collection method: curation. Allele origin: germline. Affected: yes.
Comment: TK2 p.Met117Val (c.349A>G) is a missense variant that changes the amino acid at residue 117 from Methionine to Valine. This variant has been observed in a proband affected with mitochondrial disease in the compound heterozygous state, with a pathogenic or likely pathogenic variant confirmed in trans, and was found to segregate with disease in this family (25446393). This variant is not present at a significant frequency in gnomAD and in silico models agree that this variant is possibly or probably damaging. In conclusion, we classify p.TK2 Met117Val (c.349A>G) as a likely pathogenic variant.

Labcorp Genetics (formerly Invitae), Labcorp
Classification: Pathogenic. Last evaluated: 2023-09-17. Review status: criteria provided, single submitter. Criteria: Invitae Variant Classification Sherloc (09022015). Collection method: clinical testing. Allele origin: germline.
Comment: For these reasons, this variant has been classified as Pathogenic. Advanced modeling of protein sequence and biophysical properties (such as structural, functional, and spatial information, amino acid conservation, physicochemical variation, residue mobility, and thermodynamic stability) performed at Invitae indicates that this missense variant is expected to disrupt TK2 protein function. This missense change has been observed in individual(s) with TK2-related conditions (PMID: 25446393). In at least one individual the data is consistent with being in trans (on the opposite chromosome) from a pathogenic variant. It has also been observed to segregate with disease in related individuals. This variant is not present in population databases (gnomAD no frequency). This sequence change replaces methionine, which is neutral and non-polar, with valine, which is neutral and non-polar, at codon 117 of the TK2 protein (p.Met117Val).

Literature cited by the submitters: PubMed 25446393 (cited by Genomenon, Inc and Labcorp Genetics (formerly Invitae), Labcorp).

NM_004614.5(TK2):c.349A>G (p.Met117Val)

Gene: TK2 (thymidine kinase 2; minus strand). Cytogenetic location: 16q21.
Variant type: single nucleotide variant.
Coding change: c.349A>G on transcript NM_004614.5 (MANE Select); coding-DNA position 349, A replaced by G.
Protein change: p.Met117Val; replaces methionine 117 with valine.
Molecular consequence: missense variant. On other transcripts: non-coding transcript variant (1).
Genome position (GRCh38, 1-based): chr16:66,531,406, T>C on the plus strand (A>G on the coding strand, the complement: TK2 is on the minus strand). VCF-style: chr16-66531406-T-C. GRCh37 (hg19) VCF-style: chr16-66565309-T-C.
Other names: c.349A>G (NM_004614.4); c.256A>G, p.Met86Val (NM_001172643.1, NM_001271935.1); c.274A>G, p.Met92Val (NM_001172644.2); c.295A>G, p.Met99Val (NM_001172645.2); c.202A>G, p.Met68Val (NM_001271934.2); c.58A>G, p.Met20Val (NM_001272050.2); short protein forms M117V, M68V, M20V, M92V, M99V, M86V.
Identifiers: ClinVar variation 2736364 (VCV002736364.5), dbSNP rs1567533723, ClinGen allele CA396190571.
Genomic context (GRCh38, chr16:66,531,406, plus strand): 5'-TTAAGAAGGCTGAAACTGAGCATCTGAAACCTACCTGAGGACGAGTATGCCTGTCCAGCA[T>C]GGTGAGCTGCACATAAGTCTGTAGCGTAAGACCCCAGCGAGAGGCATCGTGGTACATCAG-3'
Protein context (NP_004605.4, residues 107-127): LTLQTYVQLT[Met117Val]LDRHTRPQVS